The following is an entry in ClinVar:

ClinVar aggregate classification (germline): Uncertain significance (0 of 4 stars; one submission).

Conditions:
KAT2B-related disorder. Also called: KAT2B-related condition.

gnomAD v4.1: 1 of 1,609,306 alleles (0.000062%); highest among the groups gnomAD compares: Admixed American, 0.0017%; no homozygotes.

Submission:

PreventionGenetics, part of Exact Sciences
Classification: Uncertain significance for KAT2B-related condition. Last evaluated: 2024-05-26. Review status: no assertion criteria provided. Collection method: clinical testing. Allele origin: germline.
Comment: The KAT2B c.623G>C variant is predicted to result in the amino acid substitution p.Gly208Ala. To our knowledge, this variant has not been reported in the literature or in a large population database, indicating this variant is rare. At this time, the clinical significance of this variant is uncertain due to the absence of conclusive functional and genetic evidence.

NM_003884.5(KAT2B):c.623G>C (p.Gly208Ala)

Gene: KAT2B (lysine acetyltransferase 2B; plus strand). Cytogenetic location: 3p24.3.
Variant type: single nucleotide variant.
Coding change: c.623G>C on transcript NM_003884.5 (MANE Select); coding-DNA position 623, G replaced by C.
Protein change: p.Gly208Ala; replaces glycine 208 with alanine.
Molecular consequence: missense variant.
Genome position (GRCh38, 1-based): chr3:20,099,908, G>C. VCF-style: chr3-20099908-G-C. GRCh37 (hg19) VCF-style: chr3-20141400-G-C.
Other names: short protein forms G208A.
Identifiers: ClinVar variation 3350078 (VCV003350078.1).
Genomic context (GRCh38, chr3:20,099,908, plus strand): 5'-TGATTTCTTTGCAGCTCTTGAGAAAGTCTATTTTACAAAGAGGAAAACCTGTGGTTGAAG[G>C]CTCTTTGGAAAAGAAACCCCCATTTGAAAAACCTAGCATTGAACAGGTAAAAAGATTTTA-3'
Protein context (NP_003875.3, residues 198-218): ILQRGKPVVE[Gly208Ala]SLEKKPPFEK